The following is an entry in ClinVar:

NM_012470.4(TNPO3):c.232C>G (p.Leu78Val)

Gene: TNPO3 (transportin 3; minus strand). Cytogenetic location: 7q32.1.
Variant type: single nucleotide variant.
Coding change: c.232C>G on transcript NM_012470.4 (MANE Select); coding-DNA position 232, C replaced by G.
Protein change: p.Leu78Val; replaces leucine 78 with valine.
Molecular consequence: missense variant. On other transcripts: non-coding transcript variant (18).
Genome position (GRCh38, 1-based): chr7:129,018,046, G>C on the plus strand (C>G on the coding strand, the complement: TNPO3 is on the minus strand). VCF-style: chr7-129018046-G-C. GRCh37 (hg19) VCF-style: chr7-128658100-G-C.
Other names: c.232C>G, p.Leu78Val (NM_001191028.3, NM_001382216.1, NM_001382217.1 and 6 more transcripts); short protein forms L78V.
Identifiers: ClinVar variation 464849 (VCV000464849.11), dbSNP rs1554441599, ClinGen allele CA369248672.

ClinVar aggregate classification (germline): Uncertain significance (1 of 4 stars; one submission).

Conditions:
Autosomal dominant limb-girdle muscular dystrophy type 1F (LGMDD2). Also called: Limb-girdle muscular dystrophy, type 1F; MUSCULAR DYSTROPHY, LIMB-GIRDLE, AUTOSOMAL DOMINANT 2. Identifiers: Orphanet 55595, MedGen C1842062, MONDO:0012034, OMIM 608423.

Submission:

Labcorp Genetics (formerly Invitae), Labcorp
Classification: Uncertain significance for Autosomal dominant limb-girdle muscular dystrophy type 1F. Last evaluated: 2019-07-11. Review status: criteria provided, single submitter. Criteria: Invitae Variant Classification Sherloc (09022015). Collection method: clinical testing. Allele origin: germline.
Comment: This sequence change replaces leucine with valine at codon 78 of the TNPO3 protein (p.Leu78Val). The leucine residue is highly conserved and there is a small physicochemical difference between leucine and valine. This variant is not present in population databases (ExAC no frequency) and has not been reported in the literature in individuals with a TNPO3-related disease. Algorithms developed to predict the effect of missense changes on protein structure and function do not agree on the potential impact of this missense change (SIFT: "Deleterious"; PolyPhen-2: "Probably Damaging"; Align-GVGD: "Class C0"). In summary, this variant is a novel missense change with uncertain impact on protein function. It has been classified as a Variant of Uncertain Significance.